The following is an entry in ClinVar:

NM_030665.4(RAI1):c.3882C>G (p.Pro1294=)

Gene: RAI1 (retinoic acid induced 1; plus strand). Cytogenetic location: 17p11.2.
Variant type: single nucleotide variant.
Coding change: c.3882C>G on transcript NM_030665.4 (MANE Select); coding-DNA position 3882, C replaced by G.
Protein change: p.Pro1294=; no amino-acid change (proline 1294 retained).
Molecular consequence: synonymous variant.
Genome position (GRCh38, 1-based): chr17:17,796,830, C>G. VCF-style: chr17-17796830-C-G. GRCh37 (hg19) VCF-style: chr17-17700144-C-G.
Identifiers: ClinVar variation 589735 (VCV000589735.11), dbSNP rs777603548, ClinGen allele CA8418849.

ClinVar aggregate classification (germline): Likely benign. Review status: criteria provided, multiple submitters, no conflicts (2 of 4 stars). 3 submissions from 3 submitters: Likely benign (2). 1 of the submissions does not count toward it. Last evaluated 2022-09-24.

Conditions:
RAI1-related disorder. Also called: RAI1-related condition.
Inborn genetic diseases. Identifiers: MedGen C0950123, MeSH D030342.

Allele frequency attached by ClinVar (database versions not stated): gnomAD exomes below 0.00001; TOPMed below 0.00001; ExAC 0.00001; gnomAD 0.00001.
gnomAD v4.1: 4 of 1,611,298 alleles (0.00025%); highest among the groups gnomAD compares: Non-Finnish European, 0.00034%; no homozygotes.

Submissions (3):

Labcorp Genetics (formerly Invitae), Labcorp
Classification: Likely benign. Last evaluated: 2022-09-24. Review status: criteria provided, single submitter. Criteria: Invitae Variant Classification Sherloc (09022015). Collection method: clinical testing. Allele origin: germline.

Ambry Genetics
Classification: Likely benign for Inborn genetic diseases. Last evaluated: 2017-01-23. Review status: criteria provided, single submitter. Criteria: Ambry Variant Classification Scheme 2023. Collection method: clinical testing. Allele origin: germline.

PreventionGenetics, part of Exact Sciences
Classification: Likely benign for RAI1-related condition. Last evaluated: 2023-05-10. Review status: no assertion criteria provided. Collection method: clinical testing. Allele origin: germline. Not counted in ClinVar's aggregate classification.
Comment: This variant is classified as likely benign based on ACMG/AMP sequence variant interpretation guidelines (Richards et al. 2015 PMID: 25741868, with internal and published modifications).